The following is an entry in ClinVar:

NM_004415.4(DSP):c.598-4G>A

Gene: DSP (desmoplakin; plus strand). Cytogenetic location: 6p24.3.
Variant type: single nucleotide variant.
Coding change: c.598-4G>A on transcript NM_004415.4 (MANE Select); 4 bases into the intron before coding-DNA position 598, G replaced by A.
Molecular consequence: intron variant.
Genome position (GRCh38, 1-based): chr6:7,562,648, G>A. VCF-style: chr6-7562648-G-A. GRCh37 (hg19) VCF-style: chr6-7562881-G-A.
Other names: c.598-4G>A (NM_001319034.2, NM_001008844.3, NM_004415.3 and 1 more transcripts).
Identifiers: ClinVar variation 222589 (VCV000222589.22), dbSNP rs747448946, ClinGen allele CA046498.
Genomic context (GRCh38, chr6:7,562,648, plus strand): 5'-CGTAAGTGAAACAGGTGCAAAGGGGCAACAACAAAGGGCGCCTCTCTTTGTCTTTGTGTC[G>A]CAGGCGGAGATGGACATGGTGGCCTGGGGTGTGGACCTGGCCTCAGTGGAGCAGCACATT-3'

ClinVar aggregate classification (germline): Conflicting classifications of pathogenicity. Review status: criteria provided, conflicting classifications (1 of 4 stars). 7 submissions from 7 submitters: Uncertain significance (1); Likely benign (6). Last evaluated 2025-10-14.

Conditions:
Cardiovascular phenotype. Identifiers: MedGen CN230736.
Arrhythmogenic cardiomyopathy with wooly hair and keratoderma. Also called: Carvajal syndrome; Dilated cardiomyopathy with woolly hair and keratoderma; Arrhythmogenic cardiomyopathy with woolly hair and keratoderma; PALMOPLANTAR KERATODERMA WITH LEFT VENTRICULAR CARDIOMYOPATHY AND WOOLLY HAIR. Identifiers: Orphanet 65282, MedGen C1854063, MONDO:0011581, OMIM 605676.
Arrhythmogenic right ventricular dysplasia 8 (ARVD8). Also called: Arrhythmogenic Right Ventricular Dysplasia/Cardiomyopathy 8; ARRHYTHMOGENIC RIGHT VENTRICULAR DYSPLASIA, FAMILIAL, 8; ARRHYTHMOGENIC RIGHT VENTRICULAR CARDIOMYOPATHY 8. Identifiers: MedGen C1843896, MONDO:0011831, OMIM 607450.
Cardiomyopathy (CMYO). Also called: Cardiomyopathies. Identifiers: Orphanet 167848, MedGen C0878544, MONDO:0004994, HP:0001638. Inheritance: Various modes of inheritance.

Allele frequency attached by ClinVar (database versions not stated): ExAC 0.00002; gnomAD exomes 0.00002 and 0.00003; gnomAD 0.00003 and 0.00004; TOPMed 0.00005.
gnomAD v4.1: 51 of 1,613,886 alleles (0.0032%); highest among the groups gnomAD compares: African/African-American, 0.011%; no homozygotes.

Submissions (7):

Labcorp Genetics (formerly Invitae), Labcorp
Classification: Likely benign for Arrhythmogenic cardiomyopathy with wooly hair and keratoderma; Arrhythmogenic right ventricular dysplasia 8. Last evaluated: 2025-10-14. Review status: criteria provided, single submitter. Criteria: Invitae Variant Classification Sherloc (09022015). Collection method: clinical testing. Allele origin: germline.

Molecular Diagnostic Laboratory for Inherited Cardiovascular Disease, Montreal Heart Institute
Classification: Likely benign. Last evaluated: 2025-02-17. Review status: criteria provided, single submitter. Criteria: ACMG Guidelines, 2015. Collection method: clinical testing. Allele origin: germline. Affected: no.

All of Us Research Program, National Institutes of Health
Classification: Likely benign for Arrhythmogenic cardiomyopathy with wooly hair and keratoderma. Last evaluated: 2024-01-11. Review status: criteria provided, single submitter. Criteria: ACMG Guidelines, 2015. Collection method: clinical testing. Allele origin: germline. Inheritance: Autosomal dominant inheritance. Observed: 5 variant alleles, 5 heterozygotes.
Comment: This study involves interpretation of variants in research participants for the purpose of population health screening. Participant phenotype was not available at the time of variant classification. Additional details can be found in publication PMID: 35346344, PMCID: PMC8962531

Ambry Genetics
Classification: Likely benign for Cardiovascular phenotype. Last evaluated: 2023-09-18. Review status: criteria provided, single submitter. Criteria: Ambry Variant Classification Scheme 2023. Collection method: clinical testing. Allele origin: germline.

Blueprint Genetics
Classification: Uncertain significance. Last evaluated: 2023-07-11. Review status: criteria provided, single submitter. Criteria: ACMG Guidelines, 2015. Collection method: clinical testing. Allele origin: germline.

Color Diagnostics, LLC DBA Color Health
Classification: Likely benign for Cardiomyopathy. Last evaluated: 2019-03-30. Review status: criteria provided, single submitter. Criteria: ACMG Guidelines, 2015. Collection method: clinical testing. Allele origin: germline.

GeneDx
Classification: Likely benign. Last evaluated: 2015-12-11. Review status: criteria provided, single submitter. Criteria: GeneDx Variant Classification (06012015). Collection method: clinical testing. Allele origin: germline. Affected: yes.
Comment: This variant is considered likely benign or benign based on one or more of the following criteria: it is a conservative change, it occurs at a poorly conserved position in the protein, it is predicted to be benign by multiple in silico algorithms, and/or has population frequency not consistent with disease.